The following is an entry in ClinVar:

ClinVar aggregate classification (germline): Uncertain significance (1 of 4 stars; one submission).

Conditions:
Pyridoxine-dependent epilepsy (EPEO4). Also called: Pyridoxine-Dependent Epilepsy - ALDH7A1; EPILEPSY, EARLY-ONSET, 4, VITAMIN B6-DEPENDENT; PYRIDOXINE DEPENDENCY WITH SEIZURES; Pyridoxine-Dependent Seizures. Identifiers: Orphanet 3006, MedGen C1849508, MONDO:0009945, OMIM 266100. Disease mechanism: loss of function.

Submission:

Labcorp Genetics (formerly Invitae), Labcorp
Classification: Uncertain significance for Pyridoxine-dependent epilepsy. Last evaluated: 2019-03-28. Review status: criteria provided, single submitter. Criteria: Invitae Variant Classification Sherloc (09022015). Collection method: clinical testing. Allele origin: germline.
Comment: In summary, the available evidence is currently insufficient to determine the role of this variant in disease. Therefore, it has been classified as a Variant of Uncertain Significance. Nucleotide substitutions within the consensus splice site are a relatively common cause of aberrant splicing (PMID: 17576681, 9536098). Algorithms developed to predict the effect of sequence changes on RNA splicing suggest that this variant is not likely to affect RNA splicing, but this prediction has not been confirmed by published transcriptional studies. This variant has not been reported in the literature in individuals with ALDH7A1-related conditions. This variant is not present in population databases (ExAC no frequency). This sequence change falls in intron 14 of the ALDH7A1 gene. It does not directly change the encoded amino acid sequence of the ALDH7A1 protein, but it affects a nucleotide within the consensus splice site of the intron.

Literature cited by the submitters: PubMed 17576681; PubMed 9536098.

NM_001182.5(ALDH7A1):c.1317+6A>G

Gene: ALDH7A1 (aldehyde dehydrogenase 7 family member A1; minus strand). Cytogenetic location: 5q23.2.
Variant type: single nucleotide variant.
Coding change: c.1317+6A>G on transcript NM_001182.5 (MANE Select); 6 bases into the intron after coding-DNA position 1317, A replaced by G.
Molecular consequence: intron variant.
Genome position (GRCh38, 1-based): chr5:126,552,015, T>C on the plus strand (A>G on the coding strand, the complement: ALDH7A1 is on the minus strand). VCF-style: chr5-126552015-T-C. GRCh37 (hg19) VCF-style: chr5-125887707-T-C.
Other names: c.1125+6A>G (NM_001202404.2); c.1233+6A>G (NM_001201377.2).
Identifiers: ClinVar variation 852273 (VCV000852273.10), dbSNP rs1750016047, ClinGen allele CA916082752.